The following is an entry in ClinVar:

NM_000382.3(ALDH3A2):c.512C>T (p.Thr171Met)

Gene: ALDH3A2 (aldehyde dehydrogenase 3 family member A2; plus strand). Cytogenetic location: 17p11.2.
Variant type: single nucleotide variant.
Coding change: c.512C>T on transcript NM_000382.3 (MANE Select); coding-DNA position 512, C replaced by T.
Protein change: p.Thr171Met; replaces threonine 171 with methionine.
Molecular consequence: missense variant. On other transcripts: 5 prime UTR variant (1).
Genome position (GRCh38, 1-based): chr17:19,656,406, C>T. VCF-style: chr17-19656406-C-T. GRCh37 (hg19) VCF-style: chr17-19559719-C-T.
Other names: c.512C>T, p.Thr171Met (NM_001031806.2, NM_001369136.1, NM_001369137.2 and 3 more transcripts); c.-68C>T (NM_001369148.2); short protein forms T171M.
Identifiers: ClinVar variation 2149972 (VCV002149972.1), dbSNP rs762531887, ClinGen allele CA8442841.

ClinVar aggregate classification (germline): Uncertain significance (1 of 4 stars; one submission).

Allele frequency attached by ClinVar (database versions not stated): gnomAD 0.00001; gnomAD exomes 0.00002; ExAC 0.00003.
gnomAD v4.1: 26 of 1,613,992 alleles (0.0016%); highest among the groups gnomAD compares: South Asian, 0.018%; 1 homozygote.

Submission:

Labcorp Genetics (formerly Invitae), Labcorp
Classification: Uncertain significance. Last evaluated: 2022-06-19. Review status: criteria provided, single submitter. Criteria: Invitae Variant Classification Sherloc (09022015). Collection method: clinical testing. Allele origin: germline.
Comment: This sequence change replaces threonine, which is neutral and polar, with methionine, which is neutral and non-polar, at codon 171 of the ALDH3A2 protein (p.Thr171Met). This variant is present in population databases (rs762531887, gnomAD 0.01%). This variant has not been reported in the literature in individuals affected with ALDH3A2-related conditions. Algorithms developed to predict the effect of missense changes on protein structure and function are either unavailable or do not agree on the potential impact of this missense change (SIFT: "Deleterious"; PolyPhen-2: "Probably Damaging"; Align-GVGD: "Class C15"). In summary, the available evidence is currently insufficient to determine the role of this variant in disease. Therefore, it has been classified as a Variant of Uncertain Significance.